The following is an entry in ClinVar:

NM_001165963.4(SCN1A):c.2800A>C (p.Met934Leu)

Gene: SCN1A (sodium voltage-gated channel alpha subunit 1; minus strand). Cytogenetic location: 2q24.3.
Variant type: single nucleotide variant.
Coding change: c.2800A>C on transcript NM_001165963.4 (MANE Select); coding-DNA position 2800, A replaced by C.
Protein change: p.Met934Leu; replaces methionine 934 with leucine.
Molecular consequence: missense variant. On other transcripts: non-coding transcript variant (1).
Genome position (GRCh38, 1-based): chr2:166,037,922, T>G on the plus strand (A>C on the coding strand, the complement: SCN1A is on the minus strand). VCF-style: chr2-166037922-T-G. GRCh37 (hg19) VCF-style: chr2-166894432-T-G.
Other names: c.2716A>C, p.Met906Leu (NM_001165964.3, NM_001353957.2, NM_001353958.2); c.2800A>C, p.Met934Leu (NM_001202435.3, NM_001353948.2); c.2767A>C, p.Met923Leu (NM_001353949.2, NM_001353950.2, NM_001353951.2 and 2 more transcripts); c.2764A>C, p.Met922Leu (NM_001353954.2, NM_001353955.2); c.2713A>C, p.Met905Leu (NM_001353960.2); c.358A>C, p.Met120Leu (NM_001353961.2); short protein forms M120L, M905L, M906L, M922L, M923L, M934L.
Identifiers: ClinVar variation 2583178 (VCV002583178.1), dbSNP rs1559199628, ClinGen allele CA349061348.

ClinVar aggregate classification (germline): Likely pathogenic (1 of 4 stars; one submission).

Conditions:
Developmental and epileptic encephalopathy 6B. Also called: Developmental and epileptic encephalopathy 6B, non-Dravet. Identifiers: MedGen C5543353, MONDO:0030268, OMIM 619317.

Submission:

Diagnostics Services (NGS), CSIR - Centre For Cellular And Molecular Biology
Classification: Likely pathogenic for Developmental and epileptic encephalopathy 6B. Last evaluated: 2023-10-03. Review status: criteria provided, single submitter. Criteria: ACMG Guidelines, 2015. Collection method: clinical testing. Allele origin: unknown. Affected: yes. Observed: 1 variant allele, 1 heterozygote.
Comment: The c.2800A>C variant is not present in publicly available population databases like 1000 Genomes, EVS, ExAC, gnomAD, Indian Exome Database or our in-house exome database. This variant has neither been reported in the literature in individuals with SCN1A-related conditions nor reported to clinical databases like ClinVar, Human Genome Mutation Database (HGMD) or OMIM in any affected individuals. In-silico pathogenicity programs like SIFT, PolyPhen-2, MutationTaster2, CADD, Varsome, Franklin etc predicted this variant to be likely deleterious however these predictions were not confirmed by published functional studies. This variant is located in a mutational hotspot region of the gene and several alternative variants with different amino acid changes in the same codon (Met934Val, Met934Arg, Met934Ile) have been previously observed in affected individuals, published several times in literature and reported to the clinical databases as ‘Pathogenic/Likely Pathogenic’, by multiple submitters.